The following is an entry in ClinVar:

NM_004744.5(LRAT):c.299G>A (p.Gly100Asp)

Gene: LRAT (lecithin retinol acyltransferase; plus strand). Cytogenetic location: 4q32.1.
Variant type: single nucleotide variant.
Coding change: c.299G>A on transcript NM_004744.5 (MANE Select); coding-DNA position 299, G replaced by A.
Protein change: p.Gly100Asp; replaces glycine 100 with aspartic acid.
Molecular consequence: missense variant.
Genome position (GRCh38, 1-based): chr4:154,744,625, G>A. VCF-style: chr4-154744625-G-A. GRCh37 (hg19) VCF-style: chr4-155665777-G-A.
Other names: c.299G>A, p.Gly100Asp (NM_001301645.2); short protein forms G100D.
Identifiers: ClinVar variation 842208 (VCV000842208.9), dbSNP rs1396648864, ClinGen allele CA358630399.

ClinVar aggregate classification (germline): Uncertain significance. Review status: criteria provided, multiple submitters, no conflicts (2 of 4 stars). 3 submissions from 3 submitters: Uncertain significance (2). 1 of the submissions does not count toward it. Last evaluated 2021-08-28.

Conditions:
Leber congenital amaurosis 14 (LCA14). Identifiers: MedGen C2750063, MONDO:0013231, OMIM 613341.

Allele frequency attached by ClinVar (database versions not stated): gnomAD exomes below 0.00001 and 0.00001; TOPMed below 0.00001; gnomAD 0.00001.
gnomAD v4.1: 24 of 1,614,048 alleles (0.0015%); highest among the groups gnomAD compares: Non-Finnish European, 0.0018%; no homozygotes.

Submissions (3):

Labcorp Genetics (formerly Invitae), Labcorp
Classification: Uncertain significance. Last evaluated: 2021-08-28. Review status: criteria provided, single submitter. Criteria: Invitae Variant Classification Sherloc (09022015). Collection method: clinical testing. Allele origin: germline.
Comment: This sequence change replaces glycine with aspartic acid at codon 100 of the LRAT protein (p.Gly100Asp). The glycine residue is highly conserved and there is a moderate physicochemical difference between glycine and aspartic acid. This variant is not present in population databases (ExAC no frequency). This variant has not been reported in the literature in individuals affected with LRAT-related conditions. Algorithms developed to predict the effect of missense changes on protein structure and function (SIFT, PolyPhen-2, Align-GVGD) all suggest that this variant is likely to be disruptive. In summary, the available evidence is currently insufficient to determine the role of this variant in disease. Therefore, it has been classified as a Variant of Uncertain Significance.

Blueprint Genetics
Classification: Uncertain significance. Last evaluated: 2020-11-20. Review status: criteria provided, single submitter. Criteria: ACMG Guidelines, 2015. Collection method: clinical testing. Allele origin: germline.

Laboratory of Genetics in Ophthalmology, Institut Imagine
Classification: Likely pathogenic for Leber congenital amaurosis 14. Review status: no assertion criteria provided. Collection method: research. Allele origin: inherited. Affected: yes. Observed: 1 variant allele. Not counted in ClinVar's aggregate classification.